The following is an entry in ClinVar:

NM_001271.4(CHD2):c.1053-2A>T

Gene: CHD2 (chromodomain helicase DNA binding protein 2; plus strand). Cytogenetic location: 15q26.1.
Variant type: single nucleotide variant.
Coding change: c.1053-2A>T on transcript NM_001271.4 (MANE Select); the canonical splice acceptor site of the intron before coding-DNA position 1053, A replaced by T.
Molecular consequence: splice acceptor variant.
Genome position (GRCh38, 1-based): chr15:92,944,413, A>T. VCF-style: chr15-92944413-A-T. GRCh37 (hg19) VCF-style: chr15-93487643-A-T.
Other names: c.1053-2A>T (NM_001042572.3).
Identifiers: ClinVar variation 3377582 (VCV003377582.1).

ClinVar aggregate classification (germline): Likely pathogenic (1 of 4 stars; one submission).

Conditions:
Developmental and epileptic encephalopathy 94 (DEE94). Also called: CHD2-Related Neurodevelopmental Disorders; Epileptic encephalopathy, childhood-onset. Identifiers: Orphanet 1942, Orphanet 2382, MedGen C3809278, MONDO:0014150, OMIM 615369.

Submission:

Neuberg Centre For Genomic Medicine, NCGM
Classification: Likely pathogenic for Developmental and epileptic encephalopathy 94. Last evaluated: 2023-06-22. Review status: criteria provided, single submitter. Criteria: ACMG Guidelines, 2015. Collection method: clinical testing. Allele origin: germline. Inheritance: Autosomal dominant inheritance. Affected: yes.
Comment: The observed splice site c.1053-2A>T variant in the CHD2 gene has not been reported previously as a pathogenic variant nor as a benign variant, to our knowledge. The variant is absent in the gnomAD Exomes. The variant affects the AG acceptor splice site upstream to exon 10. Loss of function variants have been previously reported to be disease causing (Petersen AK, et al., 2018). For these reasons, this variant has been classified as Likely Pathogenic.